The following is an entry in ClinVar:

ClinVar aggregate classification (germline): Likely benign (1 of 4 stars; one submission).

Submission:

CeGaT Center for Human Genetics Tuebingen
Classification: Likely benign. Last evaluated: 2025-12-01. Review status: criteria provided, single submitter. Criteria: CeGaT Center For Human Genetics Tuebingen Variant Classification Criteria Version 2. Collection method: clinical testing. Allele origin: germline. Affected: yes. Observed: 1 variant allele.
Comment: TIMP1: PM2:Supporting, BP4, BP7

NM_003254.3(TIMP1):c.328+29A>T

Genes: SYN1 (synapsin I; minus strand), TIMP1 (TIMP metallopeptidase inhibitor 1; plus strand). Cytogenetic location: Xp11.3.
Variant type: single nucleotide variant.
Coding change: c.328+29A>T on transcript NM_003254.3 (MANE Select); 29 bases into the intron after coding-DNA position 328, A replaced by T.
Molecular consequence: intron variant.
Genome position (GRCh38, 1-based): chrX:47,585,360, A>T. VCF-style: chrX-47585360-A-T. GRCh37 (hg19) VCF-style: chrX-47444759-A-T.
Other names: c.775-7859T>A (NM_133499.2, NM_006950.3).
Identifiers: ClinVar variation 4681543 (VCV004681543.5).